The following is an entry in ClinVar:

NM_001370466.1(NOD2):c.2119C>T (p.His707Tyr)

Gene: NOD2 (nucleotide binding oligomerization domain containing 2; plus strand). Cytogenetic location: 16q12.1.
Variant type: single nucleotide variant.
Coding change: c.2119C>T on transcript NM_001370466.1 (MANE Select); coding-DNA position 2119, C replaced by T.
Protein change: p.His707Tyr; replaces histidine 707 with tyrosine.
Molecular consequence: missense variant. On other transcripts: non-coding transcript variant (1).
Genome position (GRCh38, 1-based): chr16:50,712,111, C>T. VCF-style: chr16-50712111-C-T. GRCh37 (hg19) VCF-style: chr16-50746022-C-T.
Other names: c.2119C>T, p.His707Tyr (NM_001293557.2); c.2200C>T, p.His734Tyr (NM_022162.3); short protein forms H734Y, H707Y.
Identifiers: ClinVar variation 2092774 (VCV002092774.4), dbSNP rs2506431702, ClinGen allele CA395871311.
Genomic context (GRCh38, chr16:50,712,111, plus strand): 5'-AGCCTCCGCAAGCACTTCCACTCCATCCCGCCAGCTGCACCGGGTGAGGCCAAGAGCGTG[C>T]ATGCCATGCCCGGGTTCATCTGGCTCATCCGGAGCCTGTACGAGATGCAGGAGGAGCGGC-3'
Protein context (NP_001357395.1, residues 697-717): PAAPGEAKSV[His707Tyr]AMPGFIWLIR

ClinVar aggregate classification (germline): Uncertain significance (1 of 4 stars; one submission).

Conditions:
Regional enteritis. Also called: Enteritis, Granulomatous. Identifiers: MedGen C0678202, MeSH D003424.
Blau syndrome (BLAUS). Also called: ARTHROCUTANEOUVEAL GRANULOMATOSIS; GRANULOMATOSIS, FAMILIAL JUVENILE SYSTEMIC; GRANULOMATOSIS, FAMILIAL, BLAU TYPE; GRANULOMATOUS INFLAMMATORY ARTHRITIS, DERMATITIS, AND UVEITIS, FAMILIAL; JABS SYNDROME. Identifiers: Orphanet 90340, MedGen C5201146, MONDO:0008523, OMIM 186580.

Submission:

Labcorp Genetics (formerly Invitae), Labcorp
Classification: Uncertain significance for Regional enteritis; Blau syndrome. Last evaluated: 2022-08-23. Review status: criteria provided, single submitter. Criteria: Invitae Variant Classification Sherloc (09022015). Collection method: clinical testing. Allele origin: germline.
Comment: This variant is not present in population databases (gnomAD no frequency). This sequence change replaces histidine, which is basic and polar, with tyrosine, which is neutral and polar, at codon 734 of the NOD2 protein (p.His734Tyr). This variant has not been reported in the literature in individuals affected with NOD2-related conditions. In summary, the available evidence is currently insufficient to determine the role of this variant in disease. Therefore, it has been classified as a Variant of Uncertain Significance. Algorithms developed to predict the effect of sequence changes on RNA splicing suggest that this variant may create or strengthen a splice site. Advanced modeling of protein sequence and biophysical properties (such as structural, functional, and spatial information, amino acid conservation, physicochemical variation, residue mobility, and thermodynamic stability) performed at Invitae indicates that this missense variant is not expected to disrupt NOD2 protein function.